The following is an entry in ClinVar:

ClinVar aggregate classification (germline): Uncertain significance. Review status: criteria provided, multiple submitters, no conflicts (2 of 4 stars). 5 submissions from 5 submitters: Uncertain significance (5). Last evaluated 2025-02-26.

Conditions:
Cardiovascular phenotype. Identifiers: MedGen CN230736.
Dilated cardiomyopathy 1JJ (CMD1JJ). Identifiers: Orphanet 154, MedGen C3808935, MONDO:0014095, OMIM 615235.

Submissions (5):

Labcorp Genetics (formerly Invitae), Labcorp
Classification: Uncertain significance for Dilated cardiomyopathy 1JJ. Last evaluated: 2025-02-26. Review status: criteria provided, single submitter. Criteria: Invitae Variant Classification Sherloc (09022015). Collection method: clinical testing. Allele origin: germline.
Comment: This sequence change creates a premature translational stop signal (p.Arg1555Glufs*8) in the LAMA4 gene. It is expected to result in an absent or disrupted protein product. However, the current clinical and genetic evidence is not sufficient to establish whether loss-of-function variants in LAMA4 cause disease. This variant is not present in population databases (gnomAD no frequency). This premature translational stop signal has been observed in individual(s) with LAMA4-related conditions (PMID: 33500567). ClinVar contains an entry for this variant (Variation ID: 506186). In summary, the available evidence is currently insufficient to determine the role of this variant in disease. Therefore, it has been classified as a Variant of Uncertain Significance.

Ambry Genetics
Classification: Uncertain significance for Cardiovascular phenotype. Last evaluated: 2024-09-17. Review status: criteria provided, single submitter. Criteria: Ambry Variant Classification Scheme 2023. Collection method: clinical testing. Allele origin: germline.
Comment: The c.4662_4663delAA variant, located in coding exon 33 of the LAMA4 gene, results from a deletion of two nucleotides at nucleotide positions 4662 to 4663, causing a translational frameshift with a predicted alternate stop codon (p.R1555Efs*8). This alteration is expected to result in protein truncation or nonsense-mediated mRNA decay. However, loss of function of LAMA4 has not been established as a mechanism of disease. The evidence for this gene-disease relationship is limited; therefore, the clinical significance of this alteration is unclear.

Laboratory for Molecular Medicine, Mass General Brigham Personalized Medicine
Classification: Uncertain significance. Last evaluated: 2022-09-06. Review status: criteria provided, single submitter. Criteria: ACMG Guidelines, 2015. Collection method: clinical testing. Allele origin: germline.
Comment: The p.Arg1555GlufsX8 variant in LAMA4 has not been previously reported in the literature in individuals with cardiomyopathy but it has been reported by other clinical laboratories in ClinVar (Variation ID 506186). It was absent from large population studies. This variant is predicted to cause a frameshift, which alters the protein’s amino acid sequence beginning at position 1555 and leads to a premature termination codon 8 amino acids downstream. This alteration is then predicted to lead to a truncated or absent protein. Although this is expected to seriously impact the protein, the pathogenic variant spectrum of LAMA4 is not well understood and the current evidence is not sufficient to determine whether loss of function of the LAMA4 gene is an established disease mechanism in cardiomyopathy. In summary, the clinical significance of this variant is uncertain. ACMG/AMP Criteria applied: PM2_Supporting.

Fulgent Genetics
Classification: Uncertain significance for Dilated cardiomyopathy 1JJ. Last evaluated: 2021-07-29. Review status: criteria provided, single submitter. Criteria: ACMG Guidelines, 2015. Collection method: clinical testing. Allele origin: unknown.

GeneDx
Classification: Uncertain significance. Last evaluated: 2021-02-16. Review status: criteria provided, single submitter. Criteria: GeneDx Variant Classification Process June 2021. Collection method: clinical testing. Allele origin: germline. Affected: yes.
Comment: Has not been previously published as pathogenic or benign to our knowledge; Reported in ClinVar as a variant of uncertain significance (ClinVar Variant ID# 506186; Landrum et al., 2016); Not observed in large population cohorts (Lek et al., 2016); Frameshift variant predicted to result in protein truncation or nonsense mediated decay in a gene for which loss-of-function is not a known mechanism of disease

Literature cited by the submitters: PubMed 33500567 (cited by Labcorp Genetics (formerly Invitae), Labcorp).

NM_001105206.3(LAMA4):c.4683_4684del (p.Arg1562fs)

Gene: LAMA4 (laminin subunit alpha 4; minus strand). Cytogenetic location: 6q21.
Variant type: Deletion.
Coding change: c.4683_4684del on transcript NM_001105206.3 (MANE Select); coding-DNA positions 4683 to 4684, 2 bases deleted (AA; older notation c.4683_4684delAA).
Protein change: p.Arg1562fs; shifts the reading frame from arginine 1562.
Molecular consequence: frameshift variant.
Genome position (GRCh38, 1-based): chr6:112,119,293-112,119,294, TT deleted on the plus strand (AA on the coding strand, the reverse complement: LAMA4 is on the minus strand); deleting any 2 consecutive bases within chr6:112,119,293-112,119,295 gives the same sequence; the c. name uses the placement nearest the transcript's 3' end. VCF-style (leftmost placement, unchanged base first): chr6-112119292-CTT-C. GRCh37 (hg19) VCF-style: chr6-112440495-CTT-C.
Other names: c.4662_4663del, p.Arg1555fs (NM_001105207.3, NM_002290.5); c.4662_4663delAA (NM_002290.3); c.4662_4663del (LRG_433t2); short protein forms R1555fs, R1562fs.
Identifiers: ClinVar variation 506186 (VCV000506186.17), dbSNP rs1554325284, ClinGen allele CA658796803.